The following is an entry in ClinVar:

ClinVar aggregate classification (germline): Uncertain significance. Review status: criteria provided, multiple submitters, no conflicts (2 of 4 stars). 2 submissions from 2 submitters: Uncertain significance (2). Last evaluated 2022-11-24.

Conditions:
Familial cancer of breast. Also called: BREAST CANCER, FAMILIAL; hereditary breast carcinoma; Hereditary breast cancer. Identifiers: Orphanet 227535, MedGen C0346153, MONDO:0016419, OMIM 114480. Disease mechanism: loss of function.
Fanconi anemia complementation group J. Also called: BRIP1-Related Fanconi Anemia. Identifiers: Orphanet 84, MedGen C1836860, MONDO:0012187, OMIM 609054.

Allele frequency attached by ClinVar (database versions not stated): gnomAD exomes below 0.00001.
gnomAD v4.1: 1 of 1,613,956 alleles (0.000062%); highest among the groups gnomAD compares: Non-Finnish European, 0.000085%; no homozygotes.

Submissions (2):

Women's Health and Genetics/Laboratory Corporation of America, LabCorp
Classification: Uncertain significance. Last evaluated: 2022-11-24. Review status: criteria provided, single submitter. Criteria: LabCorp Variant Classification Summary - May 2015. Collection method: clinical testing. Allele origin: germline.

Labcorp Genetics (formerly Invitae), Labcorp
Classification: Uncertain significance for Familial cancer of breast; Fanconi anemia complementation group J. Last evaluated: 2022-10-28. Review status: criteria provided, single submitter. Criteria: Invitae Variant Classification Sherloc (09022015). Collection method: clinical testing. Allele origin: germline.
Comment: In summary, the available evidence is currently insufficient to determine the role of this variant in disease. Therefore, it has been classified as a Variant of Uncertain Significance. Advanced modeling of protein sequence and biophysical properties (such as structural, functional, and spatial information, amino acid conservation, physicochemical variation, residue mobility, and thermodynamic stability) performed at Invitae indicates that this missense variant is expected to disrupt BRIP1 protein function. This variant has not been reported in the literature in individuals affected with BRIP1-related conditions. This variant is not present in population databases (gnomAD no frequency). This sequence change replaces cysteine, which is neutral and slightly polar, with arginine, which is basic and polar, at codon 58 of the BRIP1 protein (p.Cys58Arg).

NM_032043.3(BRIP1):c.172T>C (p.Cys58Arg)

Gene: BRIP1 (BRCA1 interacting DNA helicase 1; minus strand). Cytogenetic location: 17q23.2.
Variant type: single nucleotide variant.
Coding change: c.172T>C on transcript NM_032043.3 (MANE Select); coding-DNA position 172, T replaced by C.
Protein change: p.Cys58Arg; replaces cysteine 58 with arginine.
Molecular consequence: missense variant.
Genome position (GRCh38, 1-based): chr17:61,859,829, A>G on the plus strand (T>C on the coding strand, the complement: BRIP1 is on the minus strand). VCF-style: chr17-61859829-A-G. GRCh37 (hg19) VCF-style: chr17-59937190-A-G.
Other names: short protein forms C58R.
Identifiers: ClinVar variation 1804841 (VCV001804841.4), dbSNP rs2145850543, ClinGen allele CA400485716.